The following is an entry in ClinVar:

ClinVar aggregate classification (germline): Uncertain significance (1 of 4 stars; one submission).

Submission:

GeneDx
Classification: Uncertain significance. Last evaluated: 2026-03-18. Review status: criteria provided, single submitter. Criteria: GeneDx Variant Classification Process June 2021. Collection method: clinical testing. Allele origin: germline.
Comment: Not observed at significant frequency in large population cohorts (gnomAD); In silico analysis suggests that this missense variant does not alter protein structure/function; Has not been previously published as pathogenic or benign to our knowledge

NM_004817.4(TJP2):c.2941C>A (p.Gln981Lys)

Gene: TJP2 (tight junction protein 2; plus strand). Cytogenetic location: 9q21.11.
Variant type: single nucleotide variant.
Coding change: c.2941C>A on transcript NM_004817.4 (MANE Select); coding-DNA position 2941, C replaced by A.
Protein change: p.Gln981Lys; replaces glutamine 981 with lysine.
Molecular consequence: missense variant. On other transcripts: intron variant (6).
Genome position (GRCh38, 1-based): chr9:69,249,435, C>A. VCF-style: chr9-69249435-C-A. GRCh37 (hg19) VCF-style: chr9-71864351-C-A.
Other names: c.3034C>A, p.Gln1012Lys (NM_001170416.2); c.2866C>A, p.Gln956Lys (NM_001369870.1); c.2872C>A, p.Gln958Lys (NM_001369871.1); c.2953C>A, p.Gln985Lys (NM_001369875.1); c.2811+1211C>A (NM_001170414.2); c.2880+1211C>A (NM_201629.3, NM_001369872.1); c.2668-1600C>A (NM_001369873.1); c.2892+1211C>A (NM_001170415.1, NM_001369874.1); short protein forms Q1012K, Q956K, Q981K, Q958K, Q985K.
Identifiers: ClinVar variation 5008458 (VCV005008458.1).
Genomic context (GRCh38, chr9:69,249,435, plus strand): 5'-AGCATAAGGAAACCCAGCCCAGAGCCACGAGCTCAGATGAGGAGGGCTGCTAGCAGCGAT[C>A]AACTTAGGGACAATAGCCCGCCCCCAGCATTCAAGCCAGAGCCGCCCAAGGTACGTGGCT-3'
Protein context (NP_004808.2, residues 971-991): AQMRRAASSD[Gln981Lys]LRDNSPPPAF